The following is an entry in ClinVar:

NM_001614.5(ACTG1):c.363+59G>T

Gene: ACTG1 (actin gamma 1; minus strand). Cytogenetic location: 17q25.3.
Variant type: single nucleotide variant.
Coding change: c.363+59G>T on transcript NM_001614.5 (MANE Select); 59 bases into the intron after coding-DNA position 363, G replaced by T.
Molecular consequence: intron variant.
Genome position (GRCh38, 1-based): chr17:81,511,844, C>A on the plus strand (G>T on the coding strand, the complement: ACTG1 is on the minus strand). VCF-style: chr17-81511844-C-A. GRCh37 (hg19) VCF-style: chr17-79478870-C-A.
Other names: c.363+59G>T (NM_001199954.3).
Identifiers: ClinVar variation 561393 (VCV000561393.2), dbSNP rs9912403, ClinGen allele CA8836231.

ClinVar aggregate classification (germline): Benign. Review status: criteria provided, multiple submitters, no conflicts (2 of 4 stars). 2 submissions from 2 submitters: Benign (2). Last evaluated 2018-06-14.

Allele frequency attached by ClinVar (database versions not stated): gnomAD 0.24445; TOPMed 0.26855; ExAC 0.32784; gnomAD exomes 0.33034; 1000 Genomes Project 30x 0.41818; 1000 Genomes Project 0.42532.

Submissions (2):

GeneDx
Classification: Benign. Last evaluated: 2018-06-14. Review status: criteria provided, single submitter. Criteria: GeneDx Variant Classification (06012015). Collection method: clinical testing. Allele origin: germline. Affected: yes.
Comment: This variant is considered likely benign or benign based on one or more of the following criteria: it is a conservative change, it occurs at a poorly conserved position in the protein, it is predicted to be benign by multiple in silico algorithms, and/or has population frequency not consistent with disease.

Breakthrough Genomics
Classification: Benign. Review status: criteria provided, single submitter. Criteria: ACMG Guidelines, 2015. Collection method: not provided. Allele origin: germline. Inheritance: Autosomal dominant inheritance. Affected: yes.